The following is an entry in ClinVar:

ClinVar aggregate classification (germline): Conflicting classifications of pathogenicity. Review status: criteria provided, conflicting classifications (1 of 4 stars). 2 submissions from 2 submitters: Uncertain significance (1); Likely benign (1). Last evaluated 2022-06-20.

Conditions:
Inborn genetic diseases. Identifiers: MedGen C0950123, MeSH D030342.

Allele frequency attached by ClinVar (database versions not stated): gnomAD exomes 0.00004 and 0.00005; ExAC 0.00007; gnomAD 0.00014 and 0.00016; TOPMed 0.00016; ESP Exome Variant Server 0.00024.
gnomAD v4.1: 82 of 1,613,876 alleles (0.0051%); highest among the groups gnomAD compares: African/African-American, 0.052%; no homozygotes.

Submissions (2):

Labcorp Genetics (formerly Invitae), Labcorp
Classification: Uncertain significance. Last evaluated: 2022-06-20. Review status: criteria provided, single submitter. Criteria: Invitae Variant Classification Sherloc (09022015). Collection method: clinical testing. Allele origin: germline.
Comment: This sequence change replaces arginine, which is basic and polar, with glutamine, which is neutral and polar, at codon 217 of the KIAA1549 protein (p.Arg217Gln). This variant is present in population databases (rs374819009, gnomAD 0.05%). This variant has not been reported in the literature in individuals affected with KIAA1549-related conditions. ClinVar contains an entry for this variant (Variation ID: 954310). Algorithms developed to predict the effect of missense changes on protein structure and function output the following: SIFT: "Tolerated"; PolyPhen-2: "Benign"; Align-GVGD: "Class C0". The glutamine amino acid residue is found in multiple mammalian species, which suggests that this missense change does not adversely affect protein function. In summary, the available evidence is currently insufficient to determine the role of this variant in disease. Therefore, it has been classified as a Variant of Uncertain Significance.

Ambry Genetics
Classification: Likely benign for Inborn genetic diseases. Last evaluated: 2022-05-27. Review status: criteria provided, single submitter. Criteria: Ambry Variant Classification Scheme 2023. Collection method: clinical testing. Allele origin: germline.

NM_001164665.2(KIAA1549):c.650G>A (p.Arg217Gln)

Gene: KIAA1549 (KIAA1549; minus strand). Cytogenetic location: 7q34.
Variant type: single nucleotide variant.
Coding change: c.650G>A on transcript NM_001164665.2 (MANE Select); coding-DNA position 650, G replaced by A.
Protein change: p.Arg217Gln; replaces arginine 217 with glutamine.
Molecular consequence: missense variant.
Genome position (GRCh38, 1-based): chr7:138,918,976, C>T on the plus strand (G>A on the coding strand, the complement: KIAA1549 is on the minus strand). VCF-style: chr7-138918976-C-T. GRCh37 (hg19) VCF-style: chr7-138603722-C-T.
Other names: c.650G>A, p.Arg217Gln (NM_020910.3); short protein forms R217Q.
Identifiers: ClinVar variation 954310 (VCV000954310.5), dbSNP rs374819009, ClinGen allele CA4506902.